The following is an entry in ClinVar:

ClinVar aggregate classification (germline): Benign/Likely benign. Review status: criteria provided, multiple submitters, no conflicts (2 of 4 stars). 3 submissions from 3 submitters: Benign (1); Likely benign (1). 1 of the submissions does not count toward it. Last evaluated 2026-01-26.

Conditions:
Autosomal recessive cerebellar ataxia-saccadic intrusion syndrome. Also called: VPS13D Movement Disorder; SPINOCEREBELLAR ATAXIA 24. Identifiers: Orphanet 95434, MedGen C1846492, MONDO:0011811, OMIM 607317.
VPS13D-related disorder. Also called: VPS13D-related condition.

Allele frequency attached by ClinVar (database versions not stated): ESP Exome Variant Server 0.00008; gnomAD 0.00112 and 0.00155; TOPMed 0.00193; ExAC 0.00328; gnomAD exomes 0.00334; 1000 Genomes Project 30x 0.00734; 1000 Genomes Project 0.00759.
gnomAD v4.1: 1,833 of 1,614,094 alleles (0.11%); highest among the groups gnomAD compares: East Asian, 3.6%; 25 homozygotes.

Submissions (3):

Labcorp Genetics (formerly Invitae), Labcorp
Classification: Benign. Last evaluated: 2026-01-26. Review status: criteria provided, single submitter. Criteria: Invitae Variant Classification Sherloc (09022015). Collection method: clinical testing. Allele origin: germline.

Fulgent Genetics
Classification: Likely benign for Autosomal recessive cerebellar ataxia-saccadic intrusion syndrome. Last evaluated: 2022-02-25. Review status: criteria provided, single submitter. Criteria: ACMG Guidelines, 2015. Collection method: clinical testing. Allele origin: unknown.

PreventionGenetics, part of Exact Sciences
Classification: Benign for VPS13D-related condition. Last evaluated: 2019-07-30. Review status: no assertion criteria provided. Collection method: clinical testing. Allele origin: germline. Not counted in ClinVar's aggregate classification.
Comment: This variant is classified as benign based on ACMG/AMP sequence variant interpretation guidelines (Richards et al. 2015 PMID: 25741868, with internal and published modifications).

NM_015378.4(VPS13D):c.1114G>A (p.Glu372Lys)

Gene: VPS13D (vacuolar protein sorting 13 homolog D; plus strand). Cytogenetic location: 1p36.22.
Variant type: single nucleotide variant.
Coding change: c.1114G>A on transcript NM_015378.4 (MANE Select); coding-DNA position 1114, G replaced by A.
Protein change: p.Glu372Lys; replaces glutamic acid 372 with lysine.
Molecular consequence: missense variant.
Genome position (GRCh38, 1-based): chr1:12,260,696, G>A. VCF-style: chr1-12260696-G-A. GRCh37 (hg19) VCF-style: chr1-12320753-G-A.
Other names: c.1114G>A, p.Glu372Lys (NM_018156.4); c.1114G>A (NM_015378.3); short protein forms E372K.
Identifiers: ClinVar variation 1553443 (VCV001553443.11), dbSNP rs76782506, ClinGen allele CA601436.
Genomic context (GRCh38, chr1:12,260,696, plus strand): 5'-CTCTGGATCTACAACGTTTGTGTTTTTGTTTATTTGCTTTTGTTTTCACCCAAACAGGAG[G>A]AAATGTGTCGGATTGAAGAGGAACAGAGCTTTGAGGAATTGAAGATTTTGCGTGAACTGG-3'
Protein context (NP_056193.2, residues 362-382): GGLLSTDDKE[Glu372Lys]MCRIEEEQSF